The following is an entry in ClinVar:

ClinVar aggregate classification (germline): Conflicting classifications of pathogenicity. Review status: criteria provided, conflicting classifications (1 of 4 stars). 4 submissions from 4 submitters: Pathogenic (1); Likely pathogenic (2); Uncertain significance (1). Last evaluated 2025-10-21.

Conditions:
NR2E3-related disorder. Also called: NR2E3-related disorders; NR2E3-related condition. Identifiers: MedGen CN239387.
ENHANCED S-CONE SYNDROME 1 (ESCS1). Also called: RETINOSCHISIS WITH EARLY HEMERALOPIA; FAVRE HYALOIDEORETINAL DEGENERATION. Identifiers: MedGen CN380299, OMIM 268100.
Enhanced S-cone syndrome (ESCS). Identifiers: Orphanet 53540, MedGen C1849394, MONDO:0100288, MONDO:0009989.

Allele frequency attached by ClinVar (database versions not stated): gnomAD exomes 0.00001; TOPMed 0.00001.
gnomAD v4.1: 9 of 1,550,972 alleles (0.00058%); highest among the groups gnomAD compares: Non-Finnish European, 0.00078%; no homozygotes.

Submissions (4):

Myriad Genetics, Inc.
Classification: Uncertain significance for ENHANCED S-CONE SYNDROME 1. Last evaluated: 2025-10-21. Review status: criteria provided, single submitter. Criteria: Myriad Autosomal Dominant, Autosomal Recessive and X-Linked Classification Criteria (2023). Collection method: clinical testing. Allele origin: unknown.
Comment: NM_014249.2(NR2E3):c.349+5G>C is an intronic variant classified as a variant of uncertain significance in the context of enhanced S-cone syndrome. c.349+5G>C has been observed in cases with relevant disease (PMID: 30324420, 37510321, 30285900). Relevant functional assessments of this variant are not available in the literature. c.349+5G>C has been observed in referenced population frequency databases. In summary, there is insufficient evidence to classify NM_014249.2(NR2E3):c.349+5G>C as pathogenic or benign. Please note: this variant was assessed in the context of healthy population screening.

Baylor Genetics
Classification: Likely pathogenic for ENHANCED S-CONE SYNDROME 1. Last evaluated: 2024-03-27. Review status: criteria provided, single submitter. Criteria: ACMG Guidelines, 2015. Collection method: clinical testing. Allele origin: unknown.

Labcorp Genetics (formerly Invitae), Labcorp
Classification: Likely pathogenic. Last evaluated: 2023-09-23. Review status: criteria provided, single submitter. Criteria: Invitae Variant Classification Sherloc (09022015). Collection method: clinical testing. Allele origin: germline.
Comment: This sequence change falls in intron 3 of the NR2E3 gene. It does not directly change the encoded amino acid sequence of the NR2E3 protein. It affects a nucleotide within the consensus splice site. In summary, the currently available evidence indicates that the variant is pathogenic, but additional data are needed to prove that conclusively. Therefore, this variant has been classified as Likely Pathogenic. Variants that disrupt the consensus splice site are a relatively common cause of aberrant splicing (PMID: 17576681, 9536098). Algorithms developed to predict the effect of sequence changes on RNA splicing suggest that this variant may disrupt the consensus splice site. ClinVar contains an entry for this variant (Variation ID: 1066424). This variant has been observed in individuals with enhanced S-cone syndrome (PMID: 30285900, 30324420). This variant is present in population databases (rs760771835, gnomAD 0.002%).

Blueprint Genetics
Classification: Pathogenic for NR2E3-related disorders. Last evaluated: 2022-10-11. Review status: criteria provided, single submitter. Criteria: ACMG Guidelines, 2015. Collection method: clinical testing. Allele origin: germline. Affected: yes. Observed: 5 variant alleles.

Literature cited by the submitters: PubMed 30285900 (cited by Myriad Genetics, Inc. and Labcorp Genetics (formerly Invitae), Labcorp); PubMed 30324420 (cited by Myriad Genetics, Inc. and Labcorp Genetics (formerly Invitae), Labcorp); PubMed 37510321 (cited by Myriad Genetics, Inc.); PubMed 17576681 (cited by Labcorp Genetics (formerly Invitae), Labcorp); PubMed 9536098 (cited by Labcorp Genetics (formerly Invitae), Labcorp).

NM_014249.4(NR2E3):c.349+5G>C

Gene: NR2E3 (nuclear receptor subfamily 2 group E member 3; plus strand). Cytogenetic location: 15q23.
Variant type: single nucleotide variant.
Coding change: c.349+5G>C on transcript NM_014249.4 (MANE Select); 5 bases into the intron after coding-DNA position 349, G replaced by C.
Molecular consequence: intron variant.
Genome position (GRCh38, 1-based): chr15:71,811,874, G>C. VCF-style: chr15-71811874-G-C. GRCh37 (hg19) VCF-style: chr15-72104214-G-C.
Other names: c.349+5G>C (NM_016346.4).
Identifiers: ClinVar variation 1066424 (VCV001066424.11), dbSNP rs760771835, ClinGen allele CA272575019.